The following is an entry in ClinVar:

NM_001080467.3(MYO5B):c.3243C>T (p.Tyr1081=)

Gene: MYO5B (myosin VB; minus strand). Cytogenetic location: 18q21.1.
Variant type: single nucleotide variant.
Coding change: c.3243C>T on transcript NM_001080467.3 (MANE Select); coding-DNA position 3243, C replaced by T.
Protein change: p.Tyr1081=; no amino-acid change (tyrosine 1081 retained).
Molecular consequence: synonymous variant.
Genome position (GRCh38, 1-based): chr18:49,878,978, G>A on the plus strand (C>T on the coding strand, the complement: MYO5B is on the minus strand). VCF-style: chr18-49878978-G-A. GRCh37 (hg19) VCF-style: chr18-47405348-G-A.
Other names: c.3243C>T (NM_001080467.2).
Identifiers: ClinVar variation 1621258 (VCV001621258.11), dbSNP rs746316472, ClinGen allele CA8960794.

ClinVar aggregate classification (germline): Likely benign. Review status: criteria provided, multiple submitters, no conflicts (2 of 4 stars). 3 submissions from 3 submitters: Likely benign (2). 1 of the submissions does not count toward it. Last evaluated 2025-09-15.

Conditions:
MYO5B-related disorder. Also called: MYO5B-related condition.

Allele frequency attached by ClinVar (database versions not stated): ExAC 0.00006; gnomAD exomes 0.00008 and 0.00016; TOPMed 0.00012; gnomAD 0.00013 and 0.00014.
gnomAD v4.1: 253 of 1,614,144 alleles (0.016%); highest among the groups gnomAD compares: Non-Finnish European, 0.019%; no homozygotes.

Submissions (3):

Labcorp Genetics (formerly Invitae), Labcorp
Classification: Likely benign. Last evaluated: 2025-09-15. Review status: criteria provided, single submitter. Criteria: Invitae Variant Classification Sherloc (09022015). Collection method: clinical testing. Allele origin: germline.

Blueprint Genetics
Classification: Likely benign. Last evaluated: 2024-09-18. Review status: criteria provided, single submitter. Criteria: ACMG Guidelines, 2015. Collection method: clinical testing. Allele origin: germline.

PreventionGenetics, part of Exact Sciences
Classification: Likely benign for MYO5B-related condition. Last evaluated: 2024-09-26. Review status: no assertion criteria provided. Collection method: clinical testing. Allele origin: germline. Not counted in ClinVar's aggregate classification.
Comment: This variant is classified as likely benign based on ACMG/AMP sequence variant interpretation guidelines (Richards et al. 2015 PMID: 25741868, with internal and published modifications).